The following is an entry in ClinVar:

NM_004260.4(RECQL4):c.1132-8C>A

Gene: RECQL4 (RecQ like helicase 4; minus strand). Cytogenetic location: 8q24.3.
Variant type: single nucleotide variant.
Coding change: c.1132-8C>A on transcript NM_004260.4 (MANE Select); 8 bases into the intron before coding-DNA position 1132, C replaced by A.
Molecular consequence: intron variant.
Genome position (GRCh38, 1-based): chr8:144,515,898, G>T on the plus strand (C>A on the coding strand, the complement: RECQL4 is on the minus strand). VCF-style: chr8-144515898-G-T. GRCh37 (hg19) VCF-style: chr8-145741282-G-T.
Identifiers: ClinVar variation 459304 (VCV000459304.12), dbSNP rs370660188, ClinGen allele CA4949018.

ClinVar aggregate classification (germline): Conflicting classifications of pathogenicity. Review status: criteria provided, conflicting classifications (1 of 4 stars). 3 submissions from 3 submitters: Uncertain significance (1); Likely benign (2). Last evaluated 2025-10-25.

Conditions:
Baller-Gerold syndrome (BGS). Also called: CRANIOSYNOSTOSIS WITH RADIAL DEFECTS. Identifiers: Orphanet 1225, MedGen C0265308, MONDO:0009039, OMIM 218600.
Rapadilino syndrome. Identifiers: Orphanet 3021, MedGen C1849453, MONDO:0009955, OMIM 266280.
Rothmund-Thomson syndrome type 2 (RTS2). Identifiers: Orphanet 221016, MedGen C5203410, MONDO:0016369, OMIM 268400.

Allele frequency attached by ClinVar (database versions not stated): ExAC 0.00006; gnomAD exomes 0.00007; ESP Exome Variant Server 0.00008; gnomAD 0.00010; TOPMed 0.00011.
gnomAD v4.1: 79 of 1,612,674 alleles (0.0049%); highest among the groups gnomAD compares: Non-Finnish European, 0.0064%; no homozygotes.

Submissions (3):

Labcorp Genetics (formerly Invitae), Labcorp
Classification: Likely benign for Baller-Gerold syndrome. Last evaluated: 2025-10-25. Review status: criteria provided, single submitter. Criteria: Invitae Variant Classification Sherloc (09022015). Collection method: clinical testing. Allele origin: germline.

Blueprint Genetics
Classification: Likely benign. Last evaluated: 2024-05-15. Review status: criteria provided, single submitter. Criteria: ACMG Guidelines, 2015. Collection method: clinical testing. Allele origin: germline.

Center for Genomics, Ann and Robert H. Lurie Children's Hospital of Chicago
Classification: Uncertain significance for Baller-Gerold syndrome; Rapadilino syndrome; Rothmund-Thomson syndrome type 2. Review status: criteria provided, single submitter. Criteria: ACMG Guidelines, 2015. Collection method: clinical testing. Allele origin: germline.
Comment: RECQL4 NM_004260.3 intron 5 c.1132-8C>A: This variant has not been reported in the literature but is present in 0.02% (13/68034) of European alleles in the Genome Aggregation Database. This variant is present in ClinVar (Variation ID:459304). Evolutionary conservation and computational predictive tools for this variant are limited or unavailable. Although this variant occurs in the splice region, computational prediction tools do not suggest that it alters splicing. However, further studies are needed to understand its impact. In summary, data on this variant is insufficient for disease classification. Therefore, the clinical significance of this variant is uncertain.